The following is an entry in ClinVar:

ClinVar aggregate classification (germline): Pathogenic. Review status: criteria provided, multiple submitters, no conflicts (2 of 4 stars). 9 submissions from 9 submitters: Pathogenic (6). 3 of the submissions do not count toward it. Last evaluated 2025-09-24.

Conditions:
XPA-related disorder. Also called: XPA-related condition.
Xeroderma pigmentosum (XP). Identifiers: Orphanet 910, MedGen C0043346, MONDO:0019600.
Xeroderma pigmentosum group A (XPA). Also called: Xeroderma pigmentosum, complementation group A; XP, group A; XPA-Related Xeroderma Pigmentosum. Identifiers: Orphanet 910, MedGen C0268135, MONDO:0010210, OMIM 278700.

Allele frequency attached by ClinVar (database versions not stated): gnomAD exomes 0.00016 and 0.00030; TOPMed 0.00003; ExAC 0.00021; gnomAD 0.00033 and 0.00032.
gnomAD v4.1: 274 of 1,613,522 alleles (0.017%); highest among the groups gnomAD compares: Non-Finnish European, 0.0062%; no homozygotes.

Submissions (9):

Labcorp Genetics (formerly Invitae), Labcorp
Classification: Pathogenic. Last evaluated: 2025-09-24. Review status: criteria provided, single submitter. Criteria: Invitae Variant Classification Sherloc (09022015). Collection method: clinical testing. Allele origin: germline.
Comment: This sequence change creates a premature translational stop signal (p.Arg228*) in the XPA gene. While this is not anticipated to result in nonsense mediated decay, it is expected to disrupt the last 46 amino acid(s) of the XPA protein. This variant is present in population databases (rs104894132, gnomAD 0.3%). This premature translational stop signal has been observed in individuals with xeroderma pigmentosum (PMID: 8105686, 20534089, 26743599, 27413738, 27607234, 29208038). It is commonly reported in individuals of North African ancestry (PMID: 8105686, 20534089, 26743599, 27413738, 27607234, 29208038). ClinVar contains an entry for this variant (Variation ID: 995). For these reasons, this variant has been classified as Pathogenic.

Blueprint Genetics
Classification: Pathogenic for XPA-related disorders. Last evaluated: 2024-11-21. Review status: criteria provided, single submitter. Criteria: ACMG Guidelines, 2015. Collection method: clinical testing. Allele origin: germline. Affected: yes. Observed: 5 variant alleles.

Baylor Genetics
Classification: Pathogenic for Xeroderma pigmentosum group A. Last evaluated: 2024-03-16. Review status: criteria provided, single submitter. Criteria: ACMG Guidelines, 2015. Collection method: clinical testing. Allele origin: unknown.

3billion
Classification: Pathogenic for Xeroderma pigmentosum group A. Last evaluated: 2022-01-03. Review status: criteria provided, single submitter. Criteria: ACMG Guidelines, 2015. Collection method: clinical testing. Allele origin: germline. Affected: yes. Observed: 1 homozygote.
Comment: Stop-gained (nonsense): predicted to result in a loss or disruption of normal protein function through protein truncation. Multiple pathogenic variants are reported in the predicted truncated region (PVS1_S). The variant has been reported at least twice as pathogenic/likely pathogenic with clinical assertions and evidence for the classification (ClinVar ID: VCV000000995, PMID:8105686, 3billion dataset). It is observed at an extremely low frequency in the gnomAD v2.1.1 dataset (total allele frequency: 0.000337, PM2_M). Therefore, this variant is classified as pathogenic according to the recommendation of ACMG/AMP guideline.

Women's Health and Genetics/Laboratory Corporation of America, LabCorp
Classification: Pathogenic for Xeroderma pigmentosum. Last evaluated: 2018-12-03. Review status: criteria provided, single submitter. Criteria: LabCorp Variant Classification Summary - May 2015. Collection method: clinical testing. Allele origin: germline.
Comment: Variant summary: XPA c.682C>T (p.Arg228X) results in a premature termination codon, predicted to cause a truncation of the encoded protein or absence of the protein due to nonsense mediated decay, which are commonly known mechanisms for disease. The variant allele was found at a frequency of 0.00034 in 276474 control chromosomes (gnomAD). c.682C>T has been reported in the literature in multiple individuals affected with Xeroderma Pigmentosum (Messaoud_2010, Kindil_2017). These data indicate that the variant is very likely to be associated with disease. Two ClinVar submissions (evaluation after 2014) cite the variant as pathogenic. Based on the evidence outlined above, the variant was classified as pathogenic.

Fulgent Genetics
Classification: Pathogenic for Xeroderma pigmentosum group A. Last evaluated: 2018-10-31. Review status: criteria provided, single submitter. Criteria: ACMG Guidelines, 2015. Collection method: clinical testing. Allele origin: unknown.

Counsyl
Classification: Pathogenic for Xeroderma pigmentosum group A. Last evaluated: 2017-02-01. Review status: no assertion criteria provided. Collection method: clinical testing. Allele origin: unknown. Not counted in ClinVar's aggregate classification.

OMIM
Classification: Pathogenic for XERODERMA PIGMENTOSUM, COMPLEMENTATION GROUP A. Last evaluated: 1995-11-01. Review status: no assertion criteria provided. Collection method: literature only. Allele origin: germline. Not counted in ClinVar's aggregate classification.

GeneReviews
No classification provided. Condition: Xeroderma pigmentosum group A. Review status: no classification provided. Collection method: literature only. Allele origin: germline. Affected: yes. Not counted in ClinVar's aggregate classification.

Literature cited by the submitters: PubMed 8105686 (cited by 3 submitters); PubMed 20534089 (cited by 3 submitters); PubMed 26743599 (cited by Labcorp Genetics (formerly Invitae), Labcorp); PubMed 27413738 (cited by Labcorp Genetics (formerly Invitae), Labcorp); PubMed 27607234 (cited by Labcorp Genetics (formerly Invitae), Labcorp); PubMed 29208038 (cited by Labcorp Genetics (formerly Invitae), Labcorp and Women's Health and Genetics/Laboratory Corporation of America, LabCorp); PubMed 1372102 (cited by Counsyl and OMIM); PubMed 20054342 (cited by Counsyl); PubMed 8825598 (cited by OMIM); PubMed 20199544 (cited by GeneReviews); NCBI Bookshelf NBK1397 (cited by GeneReviews).

NM_000380.4(XPA):c.682C>T (p.Arg228Ter)

Gene: XPA (XPA, DNA damage recognition and repair factor; minus strand). Cytogenetic location: 9q22.33.
Variant type: single nucleotide variant.
Coding change: c.682C>T on transcript NM_000380.4 (MANE Select); coding-DNA position 682, C replaced by T.
Protein change: p.Arg228Ter; replaces arginine 228 with a stop codon.
Molecular consequence: nonsense. On other transcripts: non-coding transcript variant (5).
Genome position (GRCh38, 1-based): chr9:97,675,579, G>A on the plus strand (C>T on the coding strand, the complement: XPA is on the minus strand). VCF-style: chr9-97675579-G-A. GRCh37 (hg19) VCF-style: chr9-100437861-G-A.
Other names: R228*; c.556C>T, p.Arg186Ter (NM_001354975.2); short protein forms R186*.
Identifiers: ClinVar variation 995 (VCV000000995.18), dbSNP rs104894132, ClinGen allele CA251650.